The following is an entry in ClinVar:

NM_001005373.4(LRSAM1):c.1930G>A (p.Gly644Ser)

Gene: LRSAM1 (leucine rich repeat and sterile alpha motif containing 1; plus strand). Cytogenetic location: 9q34.11.
Variant type: single nucleotide variant.
Coding change: c.1930G>A on transcript NM_001005373.4 (MANE Select); coding-DNA position 1930, G replaced by A.
Protein change: p.Gly644Ser; replaces glycine 644 with serine.
Molecular consequence: missense variant. On other transcripts: non-coding transcript variant (2).
Genome position (GRCh38, 1-based): chr9:127,501,027, G>A. VCF-style: chr9-127501027-G-A. GRCh37 (hg19) VCF-style: chr9-130263306-G-A.
Other names: c.1930G>A, p.Gly644Ser (NM_001005374.4, NM_001384142.1, NM_138361.5); c.1849G>A, p.Gly617Ser (NM_001190723.3); c.1831G>A, p.Gly611Ser (NM_001384143.1); c.1141G>A, p.Gly381Ser (NM_001384144.1); short protein forms G381S, G611S, G617S, G644S.
Identifiers: ClinVar variation 1063799 (VCV001063799.11), dbSNP rs201284198, ClinGen allele CA5247204.
Genomic context (GRCh38, chr9:127,501,027, plus strand): 5'-GCGGAGATGACCCTGGCTCAGTCTGTCTGTCTGGTCCCCACAGAGCTGAAACCACCAATG[G>A]GTGAGGTCGTCACCCCTACGGCCCCCCAGGAGCCTCCTGAGTCTGTGAGGCCATCCGCTC-3'
Protein context (NP_001005373.1, residues 634-654): RIQPELKPPM[Gly644Ser]EVVTPTAPQE

ClinVar aggregate classification (germline): Uncertain significance. Review status: criteria provided, multiple submitters, no conflicts (2 of 4 stars). 3 submissions from 3 submitters: Uncertain significance (3). Last evaluated 2026-02-10.

Conditions:
LRSAM1-related disorder. Also called: LRSAM1-related condition.
Inborn genetic diseases. Identifiers: MedGen C0950123, MeSH D030342.
Charcot-Marie-Tooth disease axonal type 2P. Also called: CHARCOT-MARIE-TOOTH NEUROPATHY, TYPE 2P; CHARCOT-MARIE-TOOTH DISEASE, AXONAL, TYPE 2G; CMT 2G; Charcot-Marie-Tooth Neuropathy Type 2G. Identifiers: Orphanet 300319, Orphanet 99941, MedGen C3280797, MONDO:0013753, OMIM 614436.

Allele frequency attached by ClinVar (database versions not stated): ESP Exome Variant Server 0.00008; 1000 Genomes Project 30x 0.00016.
gnomAD v4.1: 38 of 1,613,928 alleles (0.0024%); highest among the groups gnomAD compares: African/African-American, 0.04%; no homozygotes.

Submissions (3):

PreventionGenetics, part of Exact Sciences
Classification: Uncertain significance for LRSAM1-related condition. Last evaluated: 2026-02-10. Review status: criteria provided, single submitter. Criteria: ACMG Guidelines, 2015. Collection method: clinical testing. Allele origin: germline.
Comment: The LRSAM1 c.1930G>A variant is predicted to result in the amino acid substitution p.Gly644Ser. To our knowledge, this variant has not been reported in the literature. This variant is reported in 0.036% of alleles in individuals of African descent in gnomAD. At this time, the clinical significance of this variant is uncertain due to the absence of conclusive functional and genetic evidence.

Ambry Genetics
Classification: Uncertain significance for Inborn genetic diseases. Last evaluated: 2025-01-22. Review status: criteria provided, single submitter. Criteria: Ambry Variant Classification Scheme 2023. Collection method: clinical testing. Allele origin: germline.

Labcorp Genetics (formerly Invitae), Labcorp
Classification: Uncertain significance for Charcot-Marie-Tooth disease axonal type 2P. Last evaluated: 2024-03-14. Review status: criteria provided, single submitter. Criteria: Invitae Variant Classification Sherloc (09022015). Collection method: clinical testing. Allele origin: germline.
Comment: This sequence change replaces glycine, which is neutral and non-polar, with serine, which is neutral and polar, at codon 644 of the LRSAM1 protein (p.Gly644Ser). This variant is present in population databases (rs201284198, gnomAD 0.04%). This variant has not been reported in the literature in individuals affected with LRSAM1-related conditions. ClinVar contains an entry for this variant (Variation ID: 1063799). Advanced modeling of protein sequence and biophysical properties (such as structural, functional, and spatial information, amino acid conservation, physicochemical variation, residue mobility, and thermodynamic stability) performed at Invitae indicates that this missense variant is not expected to disrupt LRSAM1 protein function with a negative predictive value of 80%. In summary, the available evidence is currently insufficient to determine the role of this variant in disease. Therefore, it has been classified as a Variant of Uncertain Significance.